The following is an entry in ClinVar:

NM_001017420.3(ESCO2):c.551C>G (p.Ser184Ter)

Gene: ESCO2 (establishment of sister chromatid cohesion N-acetyltransferase 2; plus strand). Cytogenetic location: 8p21.1.
Variant type: single nucleotide variant.
Coding change: c.551C>G on transcript NM_001017420.3 (MANE Select); coding-DNA position 551, C replaced by G.
Protein change: p.Ser184Ter; replaces serine 184 with a stop codon.
Molecular consequence: nonsense.
Genome position (GRCh38, 1-based): chr8:27,776,859, C>G. VCF-style: chr8-27776859-C-G. GRCh37 (hg19) VCF-style: chr8-27634376-C-G.
Other names: c.551C>G (NM_001017420.2); short protein forms S184*.
Identifiers: ClinVar variation 1076847 (VCV001076847.6), dbSNP rs2128951206, ClinGen allele CA370818561.

ClinVar aggregate classification (germline): Pathogenic/Likely pathogenic. Review status: criteria provided, multiple submitters, no conflicts (2 of 4 stars). 2 submissions from 2 submitters: Pathogenic (1); Likely pathogenic (1). Last evaluated 2024-08-07.

Conditions:
Roberts-SC phocomelia syndrome (RBS). Also called: Pseudothalidomide syndrome; Appelt-Gerken-Lenz syndrome; ESCO2 Spectrum Disorder; Hypomelia hypotrichosis facial hemangioma syndrome; LONG BONE DEFICIENCIES ASSOCIATED WITH CLEFT LIP-PALATE. Identifiers: Orphanet 3103, MedGen C0392475, MONDO:0100253, OMIM 268300.

Allele frequency attached by ClinVar (database versions not stated): gnomAD exomes below 0.00001.
gnomAD v4.1: 2 of 1,614,092 alleles (0.00012%); highest among the groups gnomAD compares: African/African-American, 0.0013%; no homozygotes.

Submissions (2):

Natera, Inc.
Classification: Likely pathogenic for Roberts syndrome. Last evaluated: 2024-08-07. Review status: criteria provided, single submitter. Criteria: Natera Variant Classification Schema (03/2026). Collection method: clinical testing. Allele origin: germline.
Comment: The c.551C>G variant in ESCO2 is a nonsense variant predicted to introduce a stop codon at amino acid 184. This variant is expected to result in nonsense mediated decay, truncation, or a dysfunctional protein product. This variant is rare in the general population with a frequency below the threshold expected for the associated phenotype(s). Given the available evidence, this variant is classified as Likely Pathogenic.

Labcorp Genetics (formerly Invitae), Labcorp
Classification: Pathogenic. Last evaluated: 2024-01-18. Review status: criteria provided, single submitter. Criteria: Invitae Variant Classification Sherloc (09022015). Collection method: clinical testing. Allele origin: germline.
Comment: This sequence change creates a premature translational stop signal (p.Ser184*) in the ESCO2 gene. It is expected to result in an absent or disrupted protein product. Loss-of-function variants in ESCO2 are known to be pathogenic (PMID: 15821733, 16380922). This variant is not present in population databases (gnomAD no frequency). This variant has not been reported in the literature in individuals affected with ESCO2-related conditions. ClinVar contains an entry for this variant (Variation ID: 1076847). For these reasons, this variant has been classified as Pathogenic.

Literature cited by the submitters: PubMed 15821733 (cited by Labcorp Genetics (formerly Invitae), Labcorp); PubMed 16380922 (cited by Labcorp Genetics (formerly Invitae), Labcorp).